The following is an entry in ClinVar:

NM_001267550.2(TTN):c.98375_98378dup (p.Gly32794fs)

Genes: TTN (titin; minus strand), TTN-AS1 (TTN antisense RNA 1; plus strand). Cytogenetic location: 2q31.2.
Variant type: Duplication.
Coding change: c.98375_98378dup on transcript NM_001267550.2 (MANE Select); coding-DNA positions 98375 to 98378, 4 bases duplicated (TGAT; older notation c.98375_98378dupTGAT).
Protein change: p.Gly32794fs; shifts the reading frame from glycine 32794.
Molecular consequence: frameshift variant. On other transcripts: non-coding transcript variant (1).
Genome position (GRCh38, 1-based): chr2:178,539,687-178,539,690, ATCA duplicated on the plus strand (TGAT on the coding strand, the reverse complement: TTN is on the minus strand). VCF-style (leftmost placement, unchanged base first): chr2-178539686-T-TATCA. GRCh37 (hg19) VCF-style: chr2-179404413-T-TATCA.
Other names: c.93452_93455dup, p.Gly31153fs (NM_001256850.1); c.71180_71183dup, p.Gly23729fs (NM_003319.4); c.90671_90674dup, p.Gly30226fs (NM_133378.4); c.71555_71558dup, p.Gly23854fs (NM_133432.3); c.71756_71759dup, p.Gly23921fs (NM_133437.4); short protein forms G23729fs, G23854fs, G23921fs, G30226fs, G31153fs, G32794fs.
Identifiers: ClinVar variation 3755893 (VCV003755893.2).
Genomic context (GRCh38, chr2:178,539,686, plus strand): 5'-CACAGAGCGGACTTGGATGTCATCATATTCCAGTGGCCCTTCTGGACTGTTGGGACTTCC[T>TATCA]ATCACCCTGACCTTGATGTAGACAGCCTTCTTGCCACATTTATTTTCCAGAACCAGGTCA-3'

ClinVar aggregate classification (germline): Likely pathogenic (1 of 4 stars; one submission).

Conditions:
Dilated cardiomyopathy 1G (CMD1G). Identifiers: Orphanet 154, MedGen C1858763, MONDO:0011400, OMIM 604145.
Autosomal recessive limb-girdle muscular dystrophy type 2J (LGMDR10). Also called: Limb-girdle muscular dystrophy, type 2J; MUSCULAR DYSTROPHY, LIMB-GIRDLE, AUTOSOMAL RECESSIVE 10. Identifiers: Orphanet 140922, MedGen C1837342, MONDO:0012127, OMIM 608807.

Submission:

Labcorp Genetics (formerly Invitae), Labcorp
Classification: Likely pathogenic for Dilated cardiomyopathy 1G; Autosomal recessive limb-girdle muscular dystrophy type 2J. Last evaluated: 2024-04-16. Review status: criteria provided, single submitter. Criteria: Invitae Variant Classification Sherloc (09022015). Collection method: clinical testing. Allele origin: germline.
Comment: This sequence change creates a premature translational stop signal (p.Gly32794Aspfs*14) in the TTN gene. While this is not anticipated to result in nonsense mediated decay, it is expected to create a truncated TTN protein. This variant is not present in population databases (gnomAD no frequency). This variant has not been reported in the literature in individuals affected with TTN-related conditions. This variant is located in the A band of TTN (PMID: 25589632). Truncating variants in this region are significantly overrepresented in patients affected with dilated cardiomyopathy (PMID: 25589632). Truncating variants in this region have also been reported in individuals affected with autosomal recessive centronuclear myopathy (PMID: 23975875). In summary, the currently available evidence indicates that the variant is pathogenic, but additional data are needed to prove that conclusively. Therefore, this variant has been classified as Likely Pathogenic.

Literature cited by the submitters: PubMed 25589632; PubMed 23975875.